The following is an entry in ClinVar:

ClinVar aggregate classification (germline): Uncertain significance. Review status: criteria provided, multiple submitters, no conflicts (2 of 4 stars). 2 submissions from 2 submitters: Uncertain significance (2). Last evaluated 2024-05-23.

Conditions:
FG syndrome 4 (FGS4). Identifiers: MedGen C1845546, MONDO:0010318, OMIM 300422.
Intellectual disability, CASK-related, X-linked. Identifiers: MedGen CN043158.

Allele frequency attached by ClinVar (database versions not stated): gnomAD exomes 0.00001; TOPMed 0.00001; ExAC 0.00002.

Submissions (2):

Labcorp Genetics (formerly Invitae), Labcorp
Classification: Uncertain significance for Intellectual disability, CASK-related, X-linked. Last evaluated: 2024-05-23. Review status: criteria provided, single submitter. Criteria: Invitae Variant Classification Sherloc (09022015). Collection method: clinical testing. Allele origin: germline.
Comment: This sequence change replaces arginine, which is basic and polar, with histidine, which is basic and polar, at codon 869 of the CASK protein (p.Arg869His). The frequency data for this variant in the population databases is considered unreliable, as metrics indicate poor data quality at this position in the gnomAD database. This variant has not been reported in the literature in individuals affected with CASK-related conditions. ClinVar contains an entry for this variant (Variation ID: 976216). Advanced modeling of protein sequence and biophysical properties (such as structural, functional, and spatial information, amino acid conservation, physicochemical variation, residue mobility, and thermodynamic stability) has been performed at Invitae for this missense variant, however the output from this modeling did not meet the statistical confidence thresholds required to predict the impact of this variant on CASK protein function. In summary, the available evidence is currently insufficient to determine the role of this variant in disease. Therefore, it has been classified as a Variant of Uncertain Significance.

Institute of Human Genetics, University of Leipzig Medical Center
Classification: Uncertain significance for FG syndrome 4. Last evaluated: 2017-07-07. Review status: criteria provided, single submitter. Criteria: ACMG Guidelines, 2015. Collection method: clinical testing. Allele origin: germline. Affected: yes. Observed: 1 variant allele.
Comment: This variant was identified as hemizygous

NM_001367721.1(CASK):c.2621G>A (p.Arg874His)

Genes: CASK (calcium/calmodulin dependent serine protein kinase; minus strand), CASK-AS1 (CASK antisense RNA 1; plus strand). Cytogenetic location: Xp11.4.
Variant type: single nucleotide variant.
Coding change: c.2621G>A on transcript NM_001367721.1 (MANE Select); coding-DNA position 2621, G replaced by A.
Protein change: p.Arg874His; replaces arginine 874 with histidine.
Molecular consequence: missense variant.
Genome position (GRCh38, 1-based): chrX:41,520,580, C>T on the plus strand (G>A on the coding strand, the complement: CASK is on the minus strand). VCF-style: chrX-41520580-C-T. GRCh37 (hg19) VCF-style: chrX-41379833-C-T.
Other names: c.2537G>A, p.Arg846His (NM_001126054.3); c.2534G>A, p.Arg845His (NM_001126055.3); c.2603G>A, p.Arg868His (NM_001410745.1); c.2606G>A, p.Arg869His (NM_003688.4); short protein forms R845H, R846H, R869H, R874H, R868H.
Identifiers: ClinVar variation 976216 (VCV000976216.4), dbSNP rs754713652, ClinGen allele CA10389973.